The following is an entry in ClinVar:

ClinVar aggregate classification (germline): Uncertain significance (1 of 4 stars; one submission).

Conditions:
Arrhythmogenic right ventricular dysplasia 13. Also called: ARRHYTHMOGENIC RIGHT VENTRICULAR CARDIOMYOPATHY 13; Arrhythmogenic right ventricular dysplasia, familial, 13. Identifiers: MedGen C3810138, MONDO:0000908, OMIM 615616.

Submission:

Labcorp Genetics (formerly Invitae), Labcorp
Classification: Uncertain significance for Arrhythmogenic right ventricular dysplasia 13. Last evaluated: 2022-02-09. Review status: criteria provided, single submitter. Criteria: Invitae Variant Classification Sherloc (09022015). Collection method: clinical testing. Allele origin: germline.
Comment: This sequence change replaces histidine, which is basic and polar, with leucine, which is neutral and non-polar, at codon 549 of the CTNNA3 protein (p.His549Leu). In summary, the available evidence is currently insufficient to determine the role of this variant in disease. Therefore, it has been classified as a Variant of Uncertain Significance. Algorithms developed to predict the effect of missense changes on protein structure and function are either unavailable or do not agree on the potential impact of this missense change (SIFT: "Deleterious"; PolyPhen-2: "Not Available"; Align-GVGD: "Class C0"). This variant has not been reported in the literature in individuals affected with CTNNA3-related conditions. This variant is not present in population databases (gnomAD no frequency).

NM_013266.4(CTNNA3):c.1646A>T (p.His549Leu)

Gene: CTNNA3 (catenin alpha 3; minus strand). Cytogenetic location: 10q21.3.
Variant type: single nucleotide variant.
Coding change: c.1646A>T on transcript NM_013266.4 (MANE Select); coding-DNA position 1646, A replaced by T.
Protein change: p.His549Leu; replaces histidine 549 with leucine.
Molecular consequence: missense variant.
Genome position (GRCh38, 1-based): chr10:66,379,238, T>A on the plus strand (A>T on the coding strand, the complement: CTNNA3 is on the minus strand). VCF-style: chr10-66379238-T-A. GRCh37 (hg19) VCF-style: chr10-68138996-T-A.
Other names: c.1646A>T, p.His549Leu (NM_001127384.3); short protein forms H549L.
Identifiers: ClinVar variation 2089340 (VCV002089340.4), dbSNP rs2547059407, ClinGen allele CA377090372.